The following is an entry in ClinVar:

NM_001378609.3(OTOGL):c.1857C>T (p.Gly619=)

Gene: OTOGL (otogelin like; plus strand). Cytogenetic location: 12q21.31.
Variant type: single nucleotide variant.
Coding change: c.1857C>T on transcript NM_001378609.3 (MANE Select); coding-DNA position 1857, C replaced by T.
Protein change: p.Gly619=; no amino-acid change (glycine 619 retained).
Molecular consequence: synonymous variant.
Genome position (GRCh38, 1-based): chr12:80,257,970, C>T. VCF-style: chr12-80257970-C-T. GRCh37 (hg19) VCF-style: chr12-80651750-C-T.
Other names: c.1857C>T, p.Gly619= (NM_001368062.3, NM_001378610.3, NM_173591.7).
Identifiers: ClinVar variation 1502357 (VCV001502357.6), dbSNP rs1446800280, ClinGen allele CA480811723.

ClinVar aggregate classification (germline): Uncertain significance (1 of 4 stars; one submission).

Allele frequency attached by ClinVar (database versions not stated): gnomAD exomes below 0.00001.
gnomAD v4.1: 3 of 1,593,266 alleles (0.00019%); highest among the groups gnomAD compares: Middle Eastern, 0.017%; no homozygotes.

Submission:

Labcorp Genetics (formerly Invitae), Labcorp
Classification: Uncertain significance. Last evaluated: 2022-03-10. Review status: criteria provided, single submitter. Criteria: Invitae Variant Classification Sherloc (09022015). Collection method: clinical testing. Allele origin: germline.
Comment: This variant has not been reported in the literature in individuals affected with OTOGL-related conditions. In summary, the available evidence is currently insufficient to determine the role of this variant in disease. Therefore, it has been classified as a Variant of Uncertain Significance. Algorithms developed to predict the effect of sequence changes on RNA splicing suggest that this variant may disrupt the consensus splice site. This variant is not present in population databases (gnomAD no frequency). This sequence change affects codon 610 of the OTOGL mRNA. It is a 'silent' change, meaning that it does not change the encoded amino acid sequence of the OTOGL protein.